The following is an entry in ClinVar:

ClinVar aggregate classification (germline): Conflicting classifications of pathogenicity. Review status: criteria provided, conflicting classifications (1 of 4 stars). 4 submissions from 4 submitters: Uncertain significance (3); Likely benign (1). Last evaluated 2025-07-01.

Conditions:
Inborn genetic diseases. Identifiers: MedGen C0950123, MeSH D030342.

gnomAD v4.1: 50 of 1,611,918 alleles (0.0031%); highest among the groups gnomAD compares: South Asian, 0.025%; no homozygotes.

Submissions (4):

CeGaT Center for Human Genetics Tuebingen
Classification: Uncertain significance. Last evaluated: 2025-07-01. Review status: criteria provided, single submitter. Criteria: CeGaT Center For Human Genetics Tuebingen Variant Classification Criteria Version 2. Collection method: clinical testing. Allele origin: germline. Affected: yes. Observed: 1 variant allele.
Comment: ANK3: PM2, PP3

Greenwood Genetic Center Diagnostic Laboratories, Greenwood Genetic Center
Classification: Uncertain significance. Last evaluated: 2025-03-24. Review status: criteria provided, single submitter. Criteria: ACMG Guidelines, 2015. Collection method: clinical testing. Allele origin: germline.
Comment: PM2, PP2

Ambry Genetics
Classification: Likely benign for Inborn genetic diseases. Last evaluated: 2025-01-29. Review status: criteria provided, single submitter. Criteria: Ambry Variant Classification Scheme 2023. Collection method: clinical testing. Allele origin: germline.

Labcorp Genetics (formerly Invitae), Labcorp
Classification: Uncertain significance. Last evaluated: 2024-08-12. Review status: criteria provided, single submitter. Criteria: Invitae Variant Classification Sherloc (09022015). Collection method: clinical testing. Allele origin: germline.
Comment: This sequence change replaces arginine, which is basic and polar, with histidine, which is basic and polar, at codon 915 of the ANK3 protein (p.Arg915His). This variant is present in population databases (rs750209484, gnomAD 0.02%). This variant has not been reported in the literature in individuals affected with ANK3-related conditions. Advanced modeling of protein sequence and biophysical properties (such as structural, functional, and spatial information, amino acid conservation, physicochemical variation, residue mobility, and thermodynamic stability) performed at Invitae indicates that this missense variant is not expected to disrupt ANK3 protein function with a negative predictive value of 80%. In summary, the available evidence is currently insufficient to determine the role of this variant in disease. Therefore, it has been classified as a Variant of Uncertain Significance.

NM_020987.5(ANK3):c.2744G>A (p.Arg915His)

Gene: ANK3 (ankyrin 3; minus strand). Cytogenetic location: 10q21.2.
Variant type: single nucleotide variant.
Coding change: c.2744G>A on transcript NM_020987.5 (MANE Select); coding-DNA position 2744, G replaced by A.
Protein change: p.Arg915His; replaces arginine 915 with histidine.
Molecular consequence: missense variant.
Genome position (GRCh38, 1-based): chr10:60,134,368, C>T on the plus strand (G>A on the coding strand, the complement: ANK3 is on the minus strand). VCF-style: chr10-60134368-C-T. GRCh37 (hg19) VCF-style: chr10-61894126-C-T.
Other names: c.146G>A, p.Arg49His (NM_001149.4); c.2726G>A, p.Arg909His (NM_001204403.2); c.2747G>A, p.Arg916His (NM_001204404.2); c.2744G>A, p.Arg915His (NM_001320874.2); c.2744G>A (NM_020987.3); short protein forms R49H, R909H, R915H, R916H.
Identifiers: ClinVar variation 3626348 (VCV003626348.12).
Genomic context (GRCh38, chr10:60,134,368, plus strand): 5'-ATGCTGTCCCGTGCATAGGAGCTTCTGTTCAAGGTGTAAGACCTATCCGAACTGAAGGAG[C>T]GGAGGCTGTTGTATTTACAGTTAACCATTCAACAGTGGTAGATGATGATGAGATGAATAA-3'
Protein context (NP_066267.2, residues 905-925): FSLGARSASL[Arg915His]SFSSDRSYTL